The following is an entry in ClinVar:

ClinVar aggregate classification (germline): Uncertain significance (1 of 4 stars; one submission).

gnomAD v4.1: 11 of 1,613,750 alleles (0.00068%); highest among the groups gnomAD compares: Admixed American, 0.0033%; no homozygotes.

Submission:

Women's Health and Genetics/Laboratory Corporation of America, LabCorp
Classification: Uncertain significance. Last evaluated: 2025-10-21. Review status: criteria provided, single submitter. Criteria: LabCorp Variant Classification Summary - May 2015. Collection method: clinical testing. Allele origin: germline.
Comment: Variant summary: AMPD2 c.1456C>T (p.Arg486Trp) results in a non-conservative amino acid change in the encoded protein sequence. Algorithms developed to predict the effect of missense changes on protein structure and function all suggest that this variant is likely to be disruptive. The variant allele was found at a frequency of 1.2e-05 in 250736 control chromosomes. The available data on variant occurrences in the general population are insufficient to allow any conclusion about variant significance. c.1456C>T has been observed in at least one compound heterozygous individual affected with Pontocerebellar Hypoplasia, Type 9 (example: Gilboa_2023). This report does not provide unequivocal conclusions about association of the variant with Pontocerebellar Hypoplasia, Type 9. To our knowledge, no experimental evidence demonstrating an impact on protein function has been reported. The following publication has been ascertained in the context of this evaluation (PMID: 36445597). No submitters have cited clinical-significance assessments for this variant to ClinVar. Based on the evidence outlined above, the variant was classified as uncertain significance.

Literature cited by the submitters: PubMed 36445597.

NM_001368809.2(AMPD2):c.1456C>T (p.Arg486Trp)

Genes: AMPD2 (adenosine monophosphate deaminase 2; plus strand), LOC126805822 (BRD4-independent group 4 enhancer GRCh37_chr1:110170748-110171947; plus strand). Cytogenetic location: 1p13.3.
Variant type: single nucleotide variant.
Coding change: c.1456C>T on transcript NM_001368809.2 (MANE Select); coding-DNA position 1456, C replaced by T.
Protein change: p.Arg486Trp; replaces arginine 486 with tryptophan.
Molecular consequence: missense variant.
Genome position (GRCh38, 1-based): chr1:109,628,691, C>T. VCF-style: chr1-109628691-C-T. GRCh37 (hg19) VCF-style: chr1-110171313-C-T.
Other names: c.1264C>T, p.Arg422Trp (NM_001257361.2); c.1393C>T, p.Arg465Trp (NM_001308170.1); c.1456C>T, p.Arg486Trp (NM_004037.9); c.1375C>T, p.Arg459Trp (NM_139156.4); short protein forms R422W, R459W, R465W, R486W.
Identifiers: ClinVar variation 4687133 (VCV004687133.1).